The following is an entry in ClinVar:

ClinVar aggregate classification (germline): Uncertain significance (1 of 4 stars; one submission).

Conditions:
Inborn genetic diseases. Identifiers: MedGen C0950123, MeSH D030342.

gnomAD v4.1: 1 of 1,614,098 alleles (0.000062%); highest among the groups gnomAD compares: Non-Finnish European, 0.000085%; no homozygotes.

Submission:

Ambry Genetics
Classification: Uncertain significance for Inborn genetic diseases. Last evaluated: 2026-01-23. Review status: criteria provided, single submitter. Criteria: Ambry Variant Classification Scheme 2023. Collection method: clinical testing. Allele origin: germline.
Comment: The p.T593P variant (also known as c.1777A>C), located in coding exon 17 of the DDX41 gene, results from an A to C substitution at nucleotide position 1777. The threonine at codon 593 is replaced by proline, an amino acid with highly similar properties. This amino acid position is conserved. In addition, this alteration is predicted to be deleterious by in silico analysis. Based on the available evidence, the clinical significance of this variant remains unclear.

NM_016222.4(DDX41):c.1777A>C (p.Thr593Pro)

Gene: DDX41 (DEAD-box helicase 41; minus strand). Cytogenetic location: 5q35.3.
Variant type: single nucleotide variant.
Coding change: c.1777A>C on transcript NM_016222.4 (MANE Select); coding-DNA position 1777, A replaced by C.
Protein change: p.Thr593Pro; replaces threonine 593 with proline.
Molecular consequence: missense variant.
Genome position (GRCh38, 1-based): chr5:177,511,883, T>G on the plus strand (A>C on the coding strand, the complement: DDX41 is on the minus strand). VCF-style: chr5-177511883-T-G. GRCh37 (hg19) VCF-style: chr5-176938884-T-G.
Other names: c.1399A>C, p.Thr467Pro (NM_001321732.2, NM_001321830.2); short protein forms T467P, T593P.
Identifiers: ClinVar variation 4844593 (VCV004844593.1).